The following is an entry in ClinVar:

NM_001267550.2(TTN):c.2685C>T (p.Gly895=)

Gene: TTN (titin; minus strand). Cytogenetic location: 2q31.2.
Variant type: single nucleotide variant.
Coding change: c.2685C>T on transcript NM_001267550.2 (MANE Select); coding-DNA position 2685, C replaced by T.
Protein change: p.Gly895=; no amino-acid change (glycine 895 retained).
Molecular consequence: synonymous variant.
Genome position (GRCh38, 1-based): chr2:178,784,160, G>A on the plus strand (C>T on the coding strand, the complement: TTN is on the minus strand). VCF-style: chr2-178784160-G-A. GRCh37 (hg19) VCF-style: chr2-179648887-G-A.
Other names: c.2685C>T, p.Gly895= (NM_001256850.1, NM_133378.4, NM_133379.5); c.2547C>T, p.Gly849= (NM_003319.4, NM_133432.3, NM_133437.4).
Identifiers: ClinVar variation 696649 (VCV000696649.20), dbSNP rs139501351, ClinGen allele CA2005761.
Genomic context (GRCh38, chr2:178,784,160, plus strand): 5'-GCGCTCTTCACGGACGGTGGTGCCAGTGATGCTCACCCCTACTTCCTTTTTCACCTCAAC[G>A]CCAGCTTCACTCTTGTAAGTATCTGGTGTGTCAGCGAAGGGGAACTGTGGCAAGGGTGTG-3'
Protein context (NP_001254479.2, residues 885-905): DTPDTYKSEA[Gly895=]VEVKKEVGVS

ClinVar aggregate classification (germline): Likely benign. Review status: criteria provided, multiple submitters, no conflicts (2 of 4 stars). 4 submissions from 4 submitters: Likely benign (3). 1 of the submissions does not count toward it. Last evaluated 2025-11-12.

Conditions:
Cardiovascular phenotype. Identifiers: MedGen CN230736.
Autosomal recessive limb-girdle muscular dystrophy type 2J (LGMDR10). Also called: Limb-girdle muscular dystrophy, type 2J; MUSCULAR DYSTROPHY, LIMB-GIRDLE, AUTOSOMAL RECESSIVE 10. Identifiers: Orphanet 140922, MedGen C1837342, MONDO:0012127, OMIM 608807.
Dilated cardiomyopathy 1G (CMD1G). Identifiers: Orphanet 154, MedGen C1858763, MONDO:0011400, OMIM 604145.
TTN-related disorder. Also called: TTN-related disorders; TTN-related condition; TTN-related disease.

Allele frequency attached by ClinVar (database versions not stated): ExAC 0.00002; gnomAD exomes 0.00003; TOPMed 0.00004; ESP Exome Variant Server 0.00008.

Submissions (4):

Labcorp Genetics (formerly Invitae), Labcorp
Classification: Likely benign for Dilated cardiomyopathy 1G; Autosomal recessive limb-girdle muscular dystrophy type 2J. Last evaluated: 2025-11-12. Review status: criteria provided, single submitter. Criteria: Invitae Variant Classification Sherloc (09022015). Collection method: clinical testing. Allele origin: germline.

CeGaT Center for Human Genetics Tuebingen
Classification: Likely benign. Last evaluated: 2025-07-01. Review status: criteria provided, single submitter. Criteria: CeGaT Center For Human Genetics Tuebingen Variant Classification Criteria Version 2. Collection method: clinical testing. Allele origin: germline. Affected: yes. Observed: 1 variant allele.
Comment: TTN: BP4, BP7

Ambry Genetics
Classification: Likely benign for Cardiovascular phenotype. Last evaluated: 2023-07-14. Review status: criteria provided, single submitter. Criteria: Ambry Variant Classification Scheme 2023. Collection method: clinical testing. Allele origin: germline.

PreventionGenetics, part of Exact Sciences
Classification: Likely benign for TTN-related condition. Last evaluated: 2019-07-01. Review status: no assertion criteria provided. Collection method: clinical testing. Allele origin: germline. Not counted in ClinVar's aggregate classification.
Comment: This variant is classified as likely benign based on ACMG/AMP sequence variant interpretation guidelines (Richards et al. 2015 PMID: 25741868, with internal and published modifications).